The following is an entry in ClinVar:

ClinVar aggregate classification (germline): Likely benign (1 of 4 stars; one submission).

gnomAD v4.1: 39 of 1,613,944 alleles (0.0024%); highest among the groups gnomAD compares: East Asian, 0.016%; no homozygotes.

Submission:

CeGaT Center for Human Genetics Tuebingen
Classification: Likely benign. Last evaluated: 2025-10-01. Review status: criteria provided, single submitter. Criteria: CeGaT Center For Human Genetics Tuebingen Variant Classification Criteria Version 2. Collection method: clinical testing. Allele origin: germline. Affected: yes. Observed: 1 variant allele.
Comment: GPR18: BP4, BP7

NM_001098200.2(GPR18):c.648C>T (p.His216=)

Genes: GPR18 (G protein-coupled receptor 18; minus strand), UBAC2 (UBA domain containing 2; plus strand). Cytogenetic location: 13q32.3.
Variant type: single nucleotide variant.
Coding change: c.648C>T on transcript NM_001098200.2 (MANE Select); coding-DNA position 648, C replaced by T.
Protein change: p.His216=; no amino-acid change (histidine 216 retained).
Molecular consequence: synonymous variant. On other transcripts: intron variant (2).
Genome position (GRCh38, 1-based): chr13:99,255,225, G>A on the plus strand (C>T on the coding strand, the complement: GPR18 is on the minus strand). VCF-style: chr13-99255225-G-A. GRCh37 (hg19) VCF-style: chr13-99907479-G-A.
Other names: c.648C>T, p.His216= (NM_005292.4); c.284+16671G>A (NM_177967.4); c.389+10601G>A (NM_001144072.2).
Identifiers: ClinVar variation 4533889 (VCV004533889.6).